The following is an entry in ClinVar:

NM_000038.6(APC):c.6846A>C (p.Leu2282Phe)

Gene: APC (APC regulator of Wnt signaling pathway; plus strand). Cytogenetic location: 5q22.2.
Variant type: single nucleotide variant.
Coding change: c.6846A>C on transcript NM_000038.6 (MANE Select); coding-DNA position 6846, A replaced by C.
Protein change: p.Leu2282Phe; replaces leucine 2282 with phenylalanine.
Molecular consequence: missense variant. On other transcripts: non-coding transcript variant (2).
Genome position (GRCh38, 1-based): chr5:112,842,440, A>C. VCF-style: chr5-112842440-A-C. GRCh37 (hg19) VCF-style: chr5-112178137-A-C.
Other names: c.6846A>C, p.Leu2282Phe (NM_001127510.3, NM_001354895.2, NM_001407450.1); c.6792A>C, p.Leu2264Phe (NM_001127511.3); c.6900A>C, p.Leu2300Phe (NM_001354896.2, NM_001407447.1, NM_001407448.1 and 1 more transcripts); c.6876A>C, p.Leu2292Phe (NM_001354897.2); c.6771A>C, p.Leu2257Phe (NM_001354898.2); c.6762A>C, p.Leu2254Phe (NM_001354899.2); c.6723A>C, p.Leu2241Phe (NM_001354900.2); c.6669A>C, p.Leu2223Phe (NM_001354901.2, NM_001407453.1); and 11 more; short protein forms L2223F, L2300F, L2310F, L1898F, L2156F, L2254F, L2264F, L2272F.
Identifiers: ClinVar variation 3882893 (VCV003882893.1).
Genomic context (GRCh38, chr5:112,842,440, plus strand): 5'-TGAAGGTCAAACAGCCACCACTTCTCCTAGAGGAGCCAAGCCATCTGTGAAATCAGAATT[A>C]AGCCCTGTTGCCAGGCAGACATCCCAAATAGGTGGGTCAAGTAAAGCACCTTCTAGATCA-3'
Protein context (NP_000029.2, residues 2272-2292): RGAKPSVKSE[Leu2282Phe]SPVARQTSQI

ClinVar aggregate classification (germline): Uncertain significance (1 of 4 stars; one submission).

Conditions:
Hereditary cancer-predisposing syndrome. Also called: Tumor predisposition; Neoplastic Syndromes, Hereditary; Hereditary Cancer Syndrome; Hereditary neoplastic syndrome. Identifiers: Orphanet 140162, MedGen C0027672, MeSH D009386, MONDO:0015356.

Submission:

Ambry Genetics
Classification: Uncertain significance for Hereditary cancer-predisposing syndrome. Last evaluated: 2025-03-14. Review status: criteria provided, single submitter. Criteria: Ambry Variant Classification Scheme 2023. Collection method: clinical testing. Allele origin: germline.
Comment: The p.L2282F variant (also known as c.6846A>C), located in coding exon 15 of the APC gene, results from an A to C substitution at nucleotide position 6846. The leucine at codon 2282 is replaced by phenylalanine, an amino acid with highly similar properties. This amino acid position is conserved. In addition, in silico predictors for this gene do not accurately predict pathogenicity. Based on the available evidence, the clinical significance of this variant remains unclear.